The following is an entry in ClinVar:

ClinVar aggregate classification (germline): Pathogenic (1 of 4 stars; one submission).

Submission:

Quest Diagnostics Nichols Institute San Juan Capistrano
Classification: Pathogenic. Last evaluated: 2021-06-15. Review status: criteria provided, single submitter. Criteria: ACMG/ClinGen CNV Guidelines, 2019. Collection method: clinical testing. Allele origin: unknown.
Comment: This copy number loss of 9q22.31q22.32 involves multiple protein-coding genes including PTCH1 (OMIM 601309) and PHF2 (OMIM 604351). Deletions of this locus have been associated with 9q22.3 microdeletion syndrome (Cayrol J et al. J Pediatr Hematol Oncol. 2019Nov;41(8):e517-e520. PMID: 30371535), which presents similar clinical symptoms as nevoid basal cell carcinoma syndrome (aka Gorlinsyndrome; OMIM 109400). Haploinsufficiency of PTCH1, due to deletions or loss-of-function variants, has been associated with Gorlin syndrome. Gorlin syndrome is an autosomal dominant disorder that can be manifested with multiple basal cell carcinomas, cysts of the jaws, hyperkeratosis of palms and soles, skeletal abnormalities (bifid ribs/hemivertebrae), intracranial ectopic calcifications, facial dysmorphism, and increased risk for medulloblastoma (Lo Muzio,Orphanet J Rare Dis. 2008 Nov 25;3:32; PMID: 19032739). Heterozygous gain-of-function sequence variants of PTCH1 have also been associatedwith autosomal dominant holoprosencephaly-7 (OMIM 610828). Furthermore, heterozygous sequence variants (missense and truncating) of PHF2 were reported in patients with autism (Iossifov I et al. Nature. 2014 Nov 13;515(7526):216-21. PMID: 25363768; Wang T, et al.Nat Commun. 2016 Nov 8;7:13316. PMID: 27824329). This copy number loss also includes other genes associated with autosomal recessive OMIM phenotypes including FANCC (OMIM 227645) and FBP1 (OMIM 611570).

GRCh37/hg19 9q22.31-22.32(chr9:95711603-98469214)x1

Genes: FANCC (FA complementation group C; minus strand), FBP1 (fructose-bisphosphatase 1; minus strand), FBP2 (fructose-bisphosphatase 2; minus strand), FGD3 (FYVE, RhoGEF and PH domain containing 3; plus strand), MFSD14B (major facilitator superfamily domain containing 14B; plus strand) and 19 more. Cytogenetic location: 9q22.31-22.32.
Variant type: copy number loss.
Change: copy number 1 (one copy instead of two) of chr9:95,711,603-98,469,214 (2.76 Mb, GRCh37 coordinates, 1-based), cytogenetic band 9q22.31-22.32.
Identifiers: ClinVar variation 1808833 (VCV001808833.1).